The following is an entry in ClinVar:

ClinVar aggregate classification (germline): Uncertain significance. Review status: criteria provided, multiple submitters, no conflicts (2 of 4 stars). 2 submissions from 2 submitters: Uncertain significance (2). Last evaluated 2026-07-07.

Conditions:
Hereditary cancer-predisposing syndrome. Also called: Neoplastic Syndromes, Hereditary; Hereditary Cancer Syndrome; Hereditary neoplastic syndrome; Tumor predisposition. Identifiers: Orphanet 140162, MedGen C0027672, MeSH D009386, MONDO:0015356.
Familial cancer of breast. Also called: hereditary breast carcinoma; BREAST CANCER, FAMILIAL; Hereditary breast cancer. Identifiers: Orphanet 227535, MedGen C0346153, MONDO:0016419, OMIM 114480. Disease mechanism: loss of function.

gnomAD v4.1: 4 of 1,613,882 alleles (0.00025%); highest among the groups gnomAD compares: Non-Finnish European, 0.00034%; no homozygotes.

Submissions (2):

Ambry Genetics
Classification: Uncertain significance for Hereditary cancer-predisposing syndrome. Last evaluated: 2026-07-07. Review status: criteria provided, single submitter. Criteria: Ambry Variant Classification Scheme 2023. Collection method: clinical testing. Allele origin: germline.
Comment: The p.S313Y variant (also known as c.938C>A), located in coding exon 4 of the BARD1 gene, results from a C to A substitution at nucleotide position 938. The serine at codon 313 is replaced by tyrosine, an amino acid with dissimilar properties. This amino acid position is conserved. In addition, this alteration is predicted to be tolerated by in silico analysis. Based on the available evidence, the clinical significance of this variant remains unclear.

Labcorp Genetics (formerly Invitae), Labcorp
Classification: Uncertain significance for Familial cancer of breast. Last evaluated: 2024-11-19. Review status: criteria provided, single submitter. Criteria: Invitae Variant Classification Sherloc (09022015). Collection method: clinical testing. Allele origin: germline.
Comment: This sequence change replaces serine, which is neutral and polar, with tyrosine, which is neutral and polar, at codon 313 of the BARD1 protein (p.Ser313Tyr). This variant is present in population databases (no rsID available, gnomAD 0.0009%). This variant has not been reported in the literature in individuals affected with BARD1-related conditions. ClinVar contains an entry for this variant (Variation ID: 656648). An algorithm developed to predict the effect of missense changes on protein structure and function (PolyPhen-2) suggests that this variant is likely to be disruptive. In summary, the available evidence is currently insufficient to determine the role of this variant in disease. Therefore, it has been classified as a Variant of Uncertain Significance.

NM_000465.4(BARD1):c.938C>A (p.Ser313Tyr)

Gene: BARD1 (BRCA1 associated RING domain 1; minus strand). Cytogenetic location: 2q35.
Variant type: single nucleotide variant.
Coding change: c.938C>A on transcript NM_000465.4 (MANE Select); coding-DNA position 938, C replaced by A.
Protein change: p.Ser313Tyr; replaces serine 313 with tyrosine.
Molecular consequence: missense variant. On other transcripts: non-coding transcript variant (2), intron variant (3).
Genome position (GRCh38, 1-based): chr2:214,780,936, G>T on the plus strand (C>A on the coding strand, the complement: BARD1 is on the minus strand). VCF-style: chr2-214780936-G-T. GRCh37 (hg19) VCF-style: chr2-215645660-G-T.
Other names: c.881C>A, p.Ser294Tyr (NM_001282543.2); c.159-28381C>A (NM_001282548.2); c.215+16125C>A (NM_001282545.2); c.364+11361C>A (NM_001282549.2); c.938C>A (NM_000465.2); short protein forms S294Y, S313Y.
Identifiers: ClinVar variation 656648 (VCV000656648.12), dbSNP rs202118376, ClinGen allele CA350454921.
Genomic context (GRCh38, chr2:214,780,936, plus strand): 5'-GAAATGGGACTGGAAAGTCTATTGTGATGGCCACGTTTTCCATTATTTTCTAATGGCAAA[G>T]ATTTCTTAGATGTAAGATAATTTTTGCAGACCTTCTCAGGAGTCACTACTTCATTCCTGC-3'
Protein context (NP_000456.2, residues 303-323): VCKNYLTSKK[Ser313Tyr]LPLENNGKRG